The following is an entry in ClinVar:

NM_000492.4(CFTR):c.1684G>C (p.Val562Leu)

Gene: CFTR (CF transmembrane conductance regulator; plus strand). Cytogenetic location: 7q31.2.
Variant type: single nucleotide variant.
Coding change: c.1684G>C on transcript NM_000492.4 (MANE Select); coding-DNA position 1684, G replaced by C.
Protein change: p.Val562Leu; replaces valine 562 with leucine.
Molecular consequence: missense variant.
Genome position (GRCh38, 1-based): chr7:117,590,357, G>C. VCF-style: chr7-117590357-G-C. GRCh37 (hg19) VCF-style: chr7-117230411-G-C.
Other names: short protein forms V562L.
Identifiers: ClinVar variation 53341 (VCV000053341.31), dbSNP rs1800097, ClinGen allele CA326607.

ClinVar aggregate classification (germline): Uncertain significance. Review status: criteria provided, multiple submitters, no conflicts (2 of 4 stars). 11 submissions from 11 submitters: Uncertain significance (10). 1 of the submissions does not count toward it. Last evaluated 2025-08-20.

Conditions:
CFTR-related disorder (CFTR-RD). Also called: CFTR-related disorders; CFTR-related condition. Identifiers: MedGen C5924204, MONDO:7770004.
Bronchiectasis with or without elevated sweat chloride 1 (BESC1). Also called: Cystic Fibrosis-Like Syndrome. Identifiers: Orphanet 60033, MedGen C2749757, MONDO:0008887, OMIM 211400.
Hereditary pancreatitis (PCTT). Also called: PRSS1-Related Hereditary Pancreatitis; Hereditary chronic pancreatitis. Identifiers: Orphanet 676, MedGen C0238339, MONDO:0008185, OMIM 167800.
Congenital bilateral aplasia of vas deferens from CFTR mutation (CBAVD). Identifiers: Orphanet 48, MedGen C0403814, MONDO:0010178, OMIM 277180. Disease mechanism: loss of function.
Cystic fibrosis (CF). Also called: MUCOVISCIDOSIS. Identifiers: Orphanet 586, MedGen C0010674, MONDO:0009061, OMIM 219700. Disease mechanism: loss of function.

Allele frequency attached by ClinVar (database versions not stated): TOPMed 0.00007; ESP Exome Variant Server 0.00031.
gnomAD v4.1: 122 of 1,602,418 alleles (0.0076%); highest among the groups gnomAD compares: Admixed American, 0.015%; no homozygotes.

Submissions (11):

Women's Health and Genetics/Laboratory Corporation of America, LabCorp
Classification: Uncertain significance. Last evaluated: 2025-08-20. Review status: criteria provided, single submitter. Criteria: LabCorp Variant Classification Summary - May 2015. Collection method: clinical testing. Allele origin: germline.
Comment: Variant summary: CFTR c.1684G>C (p.Val562Leu) results in a conservative amino acid change located in the ABC transporter-like, ATP-binding domain of the encoded protein sequence. Algorithms developed to predict the effect of missense changes on protein structure and function are either unavailable or do not agree on the potential impact of this missense change. The variant allele was found at a frequency of 5.2e-05 in 250722 control chromosomes. This frequency is not significantly higher than estimated for a pathogenic variant in CFTR causing Cystic Fibrosis (5.2e-05 vs 0.013), allowing no conclusion about variant significance. c.1684G>C has been reported in the literature in individuals affected with Cystic Fibrosis (e.g. Hughes_996b, Zietkiewicz_2013, Pavone_2010, Soltysova_2017, Aalbers_2020, Raraigh_2022) or bronchiectasis (Casals_2004) without strong evidence for causality. These data do not allow any conclusion about variant significance. At least one publication reports experimental evidence evaluating an impact on protein function. The most pronounced variant effect resulted in approximately (Gt channel conductance) 65% of normal chloride channel conductance relative to wild type (e.g., Bihler_2024). The following publications have been ascertained in the context of this evaluation (PMID: 31331863, 26990548, 38388235, 10746558, 15151509, 8956039, 33836782, 20651897, 34782259, 28544683, 24586523). ClinVar contains an entry for this variant (Variation ID: 53341). Based on the evidence outlined above, the variant was classified as uncertain significance.

ARUP Laboratories, Molecular Genetics and Genomics, ARUP Laboratories
Classification: Uncertain significance. Last evaluated: 2024-12-12. Review status: criteria provided, single submitter. Criteria: ARUP Molecular Germline Variant Investigation Process 2024. Collection method: clinical testing. Allele origin: germline.
Comment: The CFTR c.1684G>C, p.Val562Leu variant (rs1800097) has been reported in an individual with mild cystic fibrosis and pancreatic sufficiency who carried a pathogenic variant on the other chromosome (Hughes 1996), and in the heterozygous state in individuals with cystic fibrosis (Casals 2004, Zietkiewicz 2014) or healthy controls (Bombieri 2000). This variant is reported in ClinVar (Variation ID: 53341) and is found in the general population with an overall allele frequency of 0.0053% (15/281690 alleles) in the Genome Aggregation Database. Computational analyses are uncertain whether this variant is neutral or deleterious (REVEL: 53341). Due to limited information, the clinical significance of the p.Val562Leu variant is uncertain at this time. References: Bombieri C et al. A new approach for identifying non-pathogenic mutations. An analysis of the cystic fibrosis transmembrane regulator gene in normal individuals. Hum Genet. 2000 Feb;106(2):172-8. PMID: 10746558 Casals T et al. Bronchiectasis in adult patients: an expression of heterozygosity for CFTR gene mutations? Clin Genet. 2004 Jun;65(6):490-5. PMID: 15151509 Hughes D et al. Mutation characterization of CFTR gene in 206 Northern Irish CF families: thirty mutations, including two novel, account for approximately 94% of CF chromosomes. Hum Mutat. 1996; 8(4):340-7. PMID: 8956039 Zietkiewicz E et al. CFTR mutations spectrum and the efficiency of molecular diagnostics in Polish cystic fibrosis patients. PLoS One. 2014 Feb 26;9(2):e89094. PMID: 24586523

Ambry Genetics
Classification: Uncertain significance for Cystic fibrosis. Last evaluated: 2024-10-28. Review status: criteria provided, single submitter. Criteria: Ambry Variant Classification Scheme 2023. Collection method: clinical testing. Allele origin: germline.
Comment: The p.V562L variant (also known as c.1684G>C), located in coding exon 13 of the CFTR gene, results from a G to C substitution at nucleotide position 1684. The valine at codon 562 is replaced by leucine, an amino acid with highly similar properties. Three additional individuals with clinical diagnoses of CF were determined to be heterozygous for this variant, however a second mutation was not identified (Zitkiewicz E, et al. PLoS ONE 2014 Mar;9(2):e89094; Soltysova A et al. Clin Respir J, 2018 Mar;12:1197-1206) In addition, this alteration has been detected in conjunction with the 5T variant (phase confirmed trans in one case) in two individuals with CF features (Aalbers BL et al. J. Cyst. Fibros., 2019 Jul; Casals T, et al. Clin. Genet. 2004; 65:490-5). This amino acid position is highly conserved in available vertebrate species. In addition, this alteration is predicted to be deleterious by in silico analysis. Based on the available evidence, the clinical significance of this variant remains unclear.

Blueprint Genetics
Classification: Uncertain significance. Last evaluated: 2024-10-14. Review status: criteria provided, single submitter. Criteria: ACMG Guidelines, 2015. Collection method: clinical testing. Allele origin: germline.

Labcorp Genetics (formerly Invitae), Labcorp
Classification: Uncertain significance for Cystic fibrosis. Last evaluated: 2022-10-25. Review status: criteria provided, single submitter. Criteria: Invitae Variant Classification Sherloc (09022015). Collection method: clinical testing. Allele origin: germline.
Comment: This sequence change replaces valine, which is neutral and non-polar, with leucine, which is neutral and non-polar, at codon 562 of the CFTR protein (p.Val562Leu). This variant is present in population databases (rs1800097, gnomAD 0.01%). This missense change has been observed in individual(s) with cystic fibrosis (PMID: 8956039, 24586523, 28544683). This variant is also known as c.1816G>C. ClinVar contains an entry for this variant (Variation ID: 53341). Advanced modeling of protein sequence and biophysical properties (such as structural, functional, and spatial information, amino acid conservation, physicochemical variation, residue mobility, and thermodynamic stability) performed at Invitae indicates that this missense variant is not expected to disrupt CFTR protein function. Algorithms developed to predict the effect of sequence changes on RNA splicing suggest that this variant may disrupt the consensus splice site. In summary, the available evidence is currently insufficient to determine the role of this variant in disease. Therefore, it has been classified as a Variant of Uncertain Significance.

Fulgent Genetics
Classification: Uncertain significance for Hereditary pancreatitis; Bronchiectasis with or without elevated sweat chloride 1; Cystic fibrosis; Congenital bilateral aplasia of vas deferens from CFTR mutation. Last evaluated: 2021-10-29. Review status: criteria provided, single submitter. Criteria: ACMG Guidelines, 2015. Collection method: clinical testing. Allele origin: unknown.

Genome-Nilou Lab
Classification: Uncertain significance for Cystic fibrosis. Last evaluated: 2021-07-22. Review status: criteria provided, single submitter. Criteria: ACMG Guidelines, 2015. Collection method: clinical testing. Allele origin: germline. Affected: no.

Johns Hopkins Genomics, Johns Hopkins University
Classification: Uncertain significance for Cystic fibrosis. Last evaluated: 2020-07-30. Review status: criteria provided, single submitter. Criteria: ACMG Guidelines, 2015. Collection method: clinical testing. Allele origin: germline.
Comment: This variant has been reported in individuals presenting with mild cystic fibrosis (CF) and related symptoms. CFTR c.1684G>C is located within nucleotide-binding domain 1, however, it is outside of the important Walker A and Walker B regions. This variant (rs1800097) is rare (<0.1%) in a large population dataset6 (gnomAD: 15/281690 total alleles; 0.005%; no homozygotes) and has been reported in ClinVar. An alternate missense variant (p.Val562Ile) at this residue has been reported as not CF-causing when combined with another CF-causing variant. Of three bioinformatics tools queried, two predict that p.Val562Leu would be tolerated, while one predicts that it would be damaging. The valine residue at this position is highly evolutionarily conserved across most species assessed. We consider the clinical significance of c.1684G>C to be uncertain at this time.

GeneDx
Classification: Uncertain significance. Last evaluated: 2020-02-10. Review status: criteria provided, single submitter. Criteria: GeneDx Variant Classification Process June 2021. Collection method: clinical testing. Allele origin: germline. Affected: yes.
Comment: In silico analysis supports that this missense variant does not alter protein structure/function; Observed in individuals with cystic fibrosis or CFTR-related disorders without confirmation of a pathogenic variant on the opposite allele (in trans), as well as in healthy individuals (Pallares-Ruiz 1999, Casals 2004, Modiano 2005, Zietkiewicz 2014, Soltysova 2017); This variant is associated with the following publications: (PMID: 24586523, 10601093, 31331863, 28544683, 10746558, 16251901, 15151509, 8956039, 15536480)

Laboratory for Molecular Medicine, Mass General Brigham Personalized Medicine
Classification: Uncertain significance. Last evaluated: 2018-12-27. Review status: criteria provided, single submitter. Criteria: LMM Criteria. Collection method: clinical testing. Allele origin: germline. Observed: 1 variant allele.
Comment: Notes: reported as compound het with 5T in one individual with bronchiectisis; a single het in an individual with CF; and possibly as a double het in an individ ual with CF. Computation predictions are mixed.

Natera, Inc.
Classification: Uncertain significance for CFTR-related disorders. Last evaluated: 2018-05-01. Review status: no assertion criteria provided. Collection method: clinical testing. Allele origin: germline. Not counted in ClinVar's aggregate classification.

Literature cited by the submitters: PubMed 15151509 (cited by 4 submitters); PubMed 20651897 (cited by Women's Health and Genetics/Laboratory Corporation of America, LabCorp); PubMed 10746558 (cited by Women's Health and Genetics/Laboratory Corporation of America, LabCorp and Ambry Genetics); PubMed 8956039 (cited by 5 submitters); PubMed 24586523 (cited by 5 submitters); PubMed 28544683 (cited by 4 submitters); PubMed 26990548 (cited by Women's Health and Genetics/Laboratory Corporation of America, LabCorp); PubMed 33836782 (cited by Women's Health and Genetics/Laboratory Corporation of America, LabCorp); PubMed 31331863 (cited by Women's Health and Genetics/Laboratory Corporation of America, LabCorp and Ambry Genetics); PubMed 34782259 (cited by Women's Health and Genetics/Laboratory Corporation of America, LabCorp); PubMed 38388235 (cited by Women's Health and Genetics/Laboratory Corporation of America, LabCorp); PubMed 10601093 (cited by Ambry Genetics).